The following is an entry in ClinVar:

ClinVar aggregate classification (germline): Uncertain significance (1 of 4 stars; one submission).

Conditions:
Muscular dystrophy-dystroglycanopathy (congenital with brain and eye anomalies), type a, 12 (MDDGA12). Also called: WALKER-WARBURG SYNDROME OR MUSCLE-EYE-BRAIN DISEASE, POMK-RELATED. Identifiers: Orphanet 899, MedGen C3808964, MONDO:0014101, OMIM 615249.
Limb-girdle muscular dystrophy due to POMK deficiency. Also called: MUSCULAR DYSTROPHY-DYSTROGLYCANOPATHY, LIMB-GIRDLE, POMK-RELATED; Muscular dystrophy-dystroglycanopathy (limb-girdle), type c, 12. Identifiers: Orphanet 445110, MedGen C4015184, MONDO:0014489, OMIM 616094.

gnomAD v4.1: 1 of 1,614,178 alleles (0.000062%); no homozygotes.

Submission:

Labcorp Genetics (formerly Invitae), Labcorp
Classification: Uncertain significance for Muscular dystrophy-dystroglycanopathy (congenital with brain and eye anomalies), type a, 12; Limb-girdle muscular dystrophy due to POMK deficiency. Last evaluated: 2026-01-19. Review status: criteria provided, single submitter. Criteria: Invitae Variant Classification Sherloc (09022015). Collection method: clinical testing. Allele origin: germline.
Comment: This sequence change replaces glycine, which is neutral and non-polar, with alanine, which is neutral and non-polar, at codon 155 of the POMK protein (p.Gly155Ala). This variant is not present in population databases (gnomAD no frequency). This variant has not been reported in the literature in individuals affected with POMK-related conditions. ClinVar contains an entry for this variant (Variation ID: 2177585). Invitae Evidence Modeling of protein sequence and biophysical properties (such as structural, functional, and spatial information, amino acid conservation, physicochemical variation, residue mobility, and thermodynamic stability) indicates that this missense variant is not expected to disrupt POMK protein function with a negative predictive value of 80%. In summary, the available evidence is currently insufficient to determine the role of this variant in disease. Therefore, it has been classified as a Variant of Uncertain Significance.

NM_032237.5(POMK):c.464G>C (p.Gly155Ala)

Gene: POMK (protein O-mannose kinase; plus strand). Cytogenetic location: 8p11.21.
Variant type: single nucleotide variant.
Coding change: c.464G>C on transcript NM_032237.5 (MANE Select); coding-DNA position 464, G replaced by C.
Protein change: p.Gly155Ala; replaces glycine 155 with alanine.
Molecular consequence: missense variant.
Genome position (GRCh38, 1-based): chr8:43,122,288, G>C. VCF-style: chr8-43122288-G-C. GRCh37 (hg19) VCF-style: chr8-42977431-G-C.
Other names: c.464G>C, p.Gly155Ala (NM_001277971.2); short protein forms G155A.
Identifiers: ClinVar variation 2177585 (VCV002177585.4), dbSNP rs2486780233, ClinGen allele CA371121962.